The following is an entry in ClinVar:

ClinVar aggregate classification (germline): Uncertain significance (1 of 4 stars; one submission).

Submission:

Genetic Services Laboratory, University of Chicago
Classification: Uncertain significance. Last evaluated: 2020-12-07. Review status: criteria provided, single submitter. Criteria: ACMG Guidelines, 2015. Collection method: clinical testing. Allele origin: germline. Affected: no.
Comment: This sequence change does not appear to have been previously described in patients with HNF1B-related disorders and has been not been described in the large population databases such as gnomAD and ExAC (dbSNP rs748568345). The p.Ala503Val change affects a moderately conserved amino acid residue located in a domain of the HNF1B protein that is known to be functional. In-silico pathogenicity prediction tools (SIFT, PolyPhen2, Align GVGD, REVEL) provide contradictory results for the p.Ala503Val substitution. Due to these contrasting evidences and the lack of functional studies, the clinical significance of the p.Ala503Val change remains unknown at this time.

NM_000458.4(HNF1B):c.1508C>T (p.Ala503Val)

Gene: HNF1B (HNF1 homeobox B; minus strand). Cytogenetic location: 17q12.
Variant type: single nucleotide variant.
Coding change: c.1508C>T on transcript NM_000458.4 (MANE Select); coding-DNA position 1508, C replaced by T.
Protein change: p.Ala503Val; replaces alanine 503 with valine.
Molecular consequence: missense variant. On other transcripts: intron variant (1).
Genome position (GRCh38, 1-based): chr17:37,701,009, G>A on the plus strand (C>T on the coding strand, the complement: HNF1B is on the minus strand). VCF-style: chr17-37701009-G-A. GRCh37 (hg19) VCF-style: chr17-36061014-G-A.
Other names: c.1430C>T, p.Ala477Val (NM_001165923.4); c.1261+3908C>T (NM_001304286.2); short protein forms A477V, A503V.
Identifiers: ClinVar variation 1337789 (VCV001337789.4), dbSNP rs748568345, ClinGen allele CA8518821.